The following is an entry in ClinVar:

NM_173354.5(SIK1):c.1154G>A (p.Arg385Gln)

Gene: SIK1 (salt inducible kinase 1; minus strand). Cytogenetic location: 21q22.3.
Variant type: single nucleotide variant.
Coding change: c.1154G>A on transcript NM_173354.5 (MANE Select); coding-DNA position 1154, G replaced by A.
Protein change: p.Arg385Gln; replaces arginine 385 with glutamine.
Molecular consequence: missense variant.
Genome position (GRCh38, 1-based): chr21:43,419,444, C>T on the plus strand (G>A on the coding strand, the complement: SIK1 is on the minus strand). VCF-style: chr21-43419444-C-T. GRCh37 (hg19) VCF-style: chr21-44839324-C-T.
Other names: short protein forms R385Q.
Identifiers: ClinVar variation 588526 (VCV000588526.13), dbSNP rs545863305, ClinGen allele CA321326166.
Genomic context (GRCh38, chr21:43,419,444, plus strand): 5'-ATCTCGGCCTGGAGGACGGACTGCACCAAGGTCTGCGGCTGCGGGCACAGCAAGGCAGGT[C>T]GGAAAGGGTCGGTGGAAAGACCTTCCTGAGGCACCTGGGGCCGGCAGACGGGAAAGACGC-3'
Protein context (NP_775490.2, residues 375-395): PQEGLSTDPF[Arg385Gln]PALLCPQPQT

ClinVar aggregate classification (germline): Uncertain significance. Review status: criteria provided, multiple submitters, no conflicts (2 of 4 stars). 2 submissions from 2 submitters: Uncertain significance (2). Last evaluated 2024-04-22.

Conditions:
Developmental and epileptic encephalopathy, 30 (DEE30). Also called: Epileptic encephalopathy, early infantile, 30. Identifiers: MedGen C4225360, MONDO:0014595, OMIM 616341.
Inborn genetic diseases. Identifiers: MedGen C0950123, MeSH D030342.

Allele frequency attached by ClinVar (database versions not stated): ExAC 0.00003; 1000 Genomes Project 0.00020.

Submissions (2):

Labcorp Genetics (formerly Invitae), Labcorp
Classification: Uncertain significance for Developmental and epileptic encephalopathy, 30. Last evaluated: 2024-04-22. Review status: criteria provided, single submitter. Criteria: Invitae Variant Classification Sherloc (09022015). Collection method: clinical testing. Allele origin: germline.
Comment: This sequence change replaces arginine, which is basic and polar, with glutamine, which is neutral and polar, at codon 385 of the SIK1 protein (p.Arg385Gln). This variant is present in population databases (rs545863305, gnomAD 0.005%). This variant has not been reported in the literature in individuals affected with SIK1-related conditions. ClinVar contains an entry for this variant (Variation ID: 588526). Advanced modeling of protein sequence and biophysical properties (such as structural, functional, and spatial information, amino acid conservation, physicochemical variation, residue mobility, and thermodynamic stability) performed at Invitae indicates that this missense variant is not expected to disrupt SIK1 protein function with a negative predictive value of 95%. In summary, the available evidence is currently insufficient to determine the role of this variant in disease. Therefore, it has been classified as a Variant of Uncertain Significance.

Ambry Genetics
Classification: Uncertain significance for Inborn genetic diseases. Last evaluated: 2016-12-08. Review status: criteria provided, single submitter. Criteria: Ambry Variant Classification Scheme 2023. Collection method: clinical testing. Allele origin: germline.
Comment: The p.R385Q variant (also known as c.1154G>A), located in coding exon 9 of the SIK1 gene, results from a G to A substitution at nucleotide position 1154. The arginine at codon 385 is replaced by glutamine, an amino acid with highly similar properties. This amino acid position is not well conserved in available vertebrate species. In addition, this alteration is predicted to be tolerated by in silico analysis. Since supporting evidence is limited at this time, the clinical significance of this variant remains unclear.